The following is an entry in ClinVar:

NM_000138.5(FBN1):c.7497_7498del (p.Cys2500_Val2501insTer)

Gene: FBN1 (fibrillin 1; minus strand). Cytogenetic location: 15q21.1.
Variant type: Deletion.
Coding change: c.7497_7498del on transcript NM_000138.5 (MANE Select); coding-DNA positions 7497 to 7498, 2 bases deleted (AT; older notation c.7497_7498delAT).
Protein change: p.Cys2500_Val2501insTer.
Molecular consequence: frameshift variant.
Genome position (GRCh38, 1-based): chr15:48,422,024-48,422,025, AT deleted on the plus strand (AT on the coding strand, the reverse complement: FBN1 is on the minus strand); deleting any 2 consecutive bases within chr15:48,422,024-48,422,026 gives the same sequence; the c. name uses the placement nearest the transcript's 3' end. VCF-style (leftmost placement, unchanged base first): chr15-48422023-CAT-C. GRCh37 (hg19) VCF-style: chr15-48714220-CAT-C.
Other names: c.7497_7498delAT (NM_000138.4).
Identifiers: ClinVar variation 42427 (VCV000042427.5), dbSNP rs397515852, ClinGen allele CA017216.

ClinVar aggregate classification (germline): Likely pathogenic. Review status: criteria provided, multiple submitters, no conflicts (2 of 4 stars). 2 submissions from 2 submitters: Likely pathogenic (2). Last evaluated 2025-12-02.

Conditions:
Marfan syndrome (MFS). Also called: FBN1-Related Marfan Syndrome; Marfan syndrome, classic; MARFAN SYNDROME, TYPE I; Marfan syndrome type 1; Marfan's syndrome. Identifiers: Orphanet 284963, Orphanet 558, MedGen C0024796, MONDO:0007947, OMIM 154700.
FBN1-related disorder. Also called: FBN1-related disorders.

Submissions (2):

PreventionGenetics, part of Exact Sciences
Classification: Likely pathogenic for FBN1-related condition. Last evaluated: 2025-12-02. Review status: criteria provided, single submitter. Criteria: ACMG Guidelines, 2015. Collection method: clinical testing. Allele origin: germline.
Comment: The FBN1 c.7497_7498delAT variant is predicted to result in premature protein termination (p.Val2501*). This variant has been reported de novo in an individual with suspected Marfan syndrome (Table S1, S2, and S6, Lerner-Ellis et al. 2014. PubMed ID: 24793577). This variant has not been reported in a large population database (gnomAD), indicating this variant is rare. This variant is interpreted as likely pathogenic.

Laboratory for Molecular Medicine, Mass General Brigham Personalized Medicine
Classification: Likely pathogenic for Marfan syndrome. Last evaluated: 2010-12-09. Review status: criteria provided, single submitter. Criteria: LMM Criteria. Collection method: clinical testing. Allele origin: germline. Observed: 1 variant allele.

Literature cited by the submitters: PubMed 10756346 (cited by Laboratory for Molecular Medicine, Mass General Brigham Personalized Medicine).